The following is an entry in ClinVar:

NM_001081.4(CUBN):c.6716A>G (p.His2239Arg)

Gene: CUBN (cubilin; minus strand). Cytogenetic location: 10p13.
Variant type: single nucleotide variant.
Coding change: c.6716A>G on transcript NM_001081.4 (MANE Select); coding-DNA position 6716, A replaced by G.
Protein change: p.His2239Arg; replaces histidine 2239 with arginine.
Molecular consequence: missense variant.
Genome position (GRCh38, 1-based): chr10:16,920,068, T>C on the plus strand (A>G on the coding strand, the complement: CUBN is on the minus strand). VCF-style: chr10-16920068-T-C. GRCh37 (hg19) VCF-style: chr10-16962067-T-C.
Other names: short protein forms H2239R.
Identifiers: ClinVar variation 3014898 (VCV003014898.3), dbSNP rs780047209, ClinGen allele CA5423599.

ClinVar aggregate classification (germline): Uncertain significance (1 of 4 stars; one submission).

Conditions:
Imerslund-Grasbeck syndrome. Also called: Megaloblastic anemia due to inborn errors of metabolism; ENTEROCYTE COBALAMIN MALABSORPTION; ENTEROCYTE INTRINSIC FACTOR RECEPTOR, DEFECT OF; PERNICIOUS ANEMIA, JUVENILE, DUE TO SELECTIVE INTESTINAL MALABSORPTION OF VITAMIN B12, WITH PROTEINURIA; Imerslund-Gräsbeck syndrome. Identifiers: Orphanet 35858, MedGen C4551825, MONDO:0009853.

Allele frequency attached by ClinVar (database versions not stated): gnomAD exomes 0.00002; ExAC 0.00005; gnomAD 0.00001; TOPMed 0.00001.
gnomAD v4.1: 12 of 1,613,886 alleles (0.00074%); highest among the groups gnomAD compares: Admixed American, 0.018%; no homozygotes.

Submission:

Labcorp Genetics (formerly Invitae), Labcorp
Classification: Uncertain significance for Imerslund-Grasbeck syndrome. Last evaluated: 2023-10-17. Review status: criteria provided, single submitter. Criteria: Invitae Variant Classification Sherloc (09022015). Collection method: clinical testing. Allele origin: germline.
Comment: This sequence change replaces histidine, which is basic and polar, with arginine, which is basic and polar, at codon 2239 of the CUBN protein (p.His2239Arg). This variant is present in population databases (rs780047209, gnomAD 0.03%). This variant has not been reported in the literature in individuals affected with CUBN-related conditions. Advanced modeling of protein sequence and biophysical properties (such as structural, functional, and spatial information, amino acid conservation, physicochemical variation, residue mobility, and thermodynamic stability) performed at Invitae indicates that this missense variant is not expected to disrupt CUBN protein function. In summary, the available evidence is currently insufficient to determine the role of this variant in disease. Therefore, it has been classified as a Variant of Uncertain Significance.